The following is an entry in ClinVar:

ClinVar aggregate classification (germline): Benign. Review status: criteria provided, multiple submitters, no conflicts (2 of 4 stars). 4 submissions from 4 submitters: Benign (4). Last evaluated 2026-02-04.

Conditions:
Weill-Marchesani 4 syndrome, recessive. Also called: Weill-Marchesani syndrome 4. Identifiers: Orphanet 363992, MedGen C2750787, MONDO:0013176, OMIM 613195.

Allele frequency attached by ClinVar (database versions not stated): 1000 Genomes Project 0.01218; 1000 Genomes Project 30x 0.01296; gnomAD 0.01571 and 0.01580; TOPMed 0.01742; gnomAD exomes 0.01856 and 0.02176; ExAC 0.01864; ESP Exome Variant Server 0.02099.
gnomAD v4.1: 34,336 of 1,614,162 alleles (2.1%); highest among the groups gnomAD compares: Middle Eastern, 5.6%; 440 homozygotes.

Submissions (4):

Labcorp Genetics (formerly Invitae), Labcorp
Classification: Benign. Last evaluated: 2026-02-04. Review status: criteria provided, single submitter. Criteria: Invitae Variant Classification Sherloc (09022015). Collection method: clinical testing. Allele origin: germline.

Mayo Clinic Laboratories, Mayo Clinic
Classification: Benign. Last evaluated: 2023-01-26. Review status: criteria provided, single submitter. Criteria: ACMG Guidelines, 2015. Collection method: clinical testing. Allele origin: germline. Observed: 27 variant alleles.
Comment: BS1, BS2, BP4, BP7

Illumina Laboratory Services, Illumina
Classification: Benign for Weill-Marchesani 4 syndrome, recessive. Last evaluated: 2018-01-13. Review status: criteria provided, single submitter. Criteria: ICSL Variant Classification Criteria 13 December 2019. Collection method: clinical testing. Allele origin: germline.
Comment: This variant was observed in the ICSL laboratory as part of a predisposition screen in an ostensibly healthy population. It had not been previously curated by ICSL or reported in the Human Gene Mutation Database (HGMD: prior to June 1st, 2018), and was therefore a candidate for classification through an automated scoring system. Utilizing variant allele frequency, disease prevalence and penetrance estimates, and inheritance mode, an automated score was calculated to assess if this variant is too frequent to cause the disease. Based on the score and internal cut-off values, a variant classified as benign is not then subjected to further curation. The score for this variant resulted in a classification of benign for this disease.

Breakthrough Genomics
Classification: Benign. Review status: criteria provided, single submitter. Criteria: ACMG Guidelines, 2015. Collection method: not provided. Allele origin: germline. Inheritance: Autosomal recessive inheritance. Affected: yes.

NM_139057.4(ADAMTS17):c.2472C>T (p.Ile824=)

Gene: ADAMTS17 (ADAM metallopeptidase with thrombospondin type 1 motif 17; minus strand). Cytogenetic location: 15q26.3.
Variant type: single nucleotide variant.
Coding change: c.2472C>T on transcript NM_139057.4 (MANE Select); coding-DNA position 2472, C replaced by T.
Protein change: p.Ile824=; no amino-acid change (isoleucine 824 retained).
Molecular consequence: synonymous variant.
Genome position (GRCh38, 1-based): chr15:100,048,976, G>A on the plus strand (C>T on the coding strand, the complement: ADAMTS17 is on the minus strand). VCF-style: chr15-100048976-G-A. GRCh37 (hg19) VCF-style: chr15-100589181-G-A.
Other names: p.Ile824=.
Identifiers: ClinVar variation 315267 (VCV000315267.14), dbSNP rs61752831, ClinGen allele CA7757704.
Genomic context (GRCh38, chr15:100,048,976, plus strand): 5'-AGGGCAGTCACTGTCGTTCACCAGAGTTGTGGTCTTGTTGACAATCCGTGTACACGAGAC[G>A]ATGGTTCTGCGCTCCCCTGGAAACCAAACCACAGGGAGCTGAGAGACTGTGGCTGCACCC-3'
Protein context (NP_620688.2, residues 814-834): VQCGGGERRT[Ile824=]VSCTRIVNKT